The following is an entry in ClinVar:

NC_000016.9:g.(?_29802081)_(30199917_?)dup

Genes: ALDOA (aldolase, fructose-bisphosphate A; plus strand), ASPHD1 (aspartate beta-hydroxylase domain containing 1; plus strand), CDIPT (CDP-diacylglycerol--inositol 3-phosphatidyltransferase; minus strand), CORO1A (coronin 1A; plus strand), DOC2A (double C2 domain alpha; minus strand) and 18 more. Cytogenetic location: 16p11.2.
Variant type: Duplication.
Identifiers: ClinVar variation 1063963 (VCV001063963.9).

ClinVar aggregate classification (germline): Uncertain significance. Review status: criteria provided, single submitter (1 of 4 stars). 3 submissions from 1 submitter: Uncertain significance (3). Last evaluated 2022-11-01.

Conditions:
HNSHA due to aldolase A deficiency (GSD12). Also called: GSD XII; RED CELL ALDOLASE DEFICIENCY; GLYCOGEN STORAGE DISEASE XII; Glycogen storage disease due to aldolase A deficiency. Identifiers: Orphanet 57, MedGen C0272066, MONDO:0012747, OMIM 611881.
Episodic kinesigenic dyskinesia (EKD). Also called: Paroxysmal kinesigenic dyskinesia. Identifiers: Orphanet 98809, MedGen C1868682, MONDO:0044202.
Severe combined immunodeficiency due to CORO1A deficiency. Also called: Immunodeficiency 8; IMMUNODEFICIENCY 8 WITH LYMPHOPROLIFERATION. Identifiers: Orphanet 228003, MedGen C3809383, MONDO:0014168, OMIM 615401.

Submissions (3):

Labcorp Genetics (formerly Invitae), Labcorp
Classification: Uncertain significance for Episodic kinesigenic dyskinesia. Last evaluated: 2022-11-01. Review status: criteria provided, single submitter. Criteria: Invitae Variant Classification Sherloc (09022015). Collection method: clinical testing. Allele origin: germline.
Comment: A copy number gain of the genomic region encompassing the full coding sequence of the PRRT2 gene has been identified. The boundaries of this event are unknown as they extend beyond the assayed region for this gene and therefore may encompass additional genes. As the precise location of this event is unknown, it may be in tandem or it may be located elsewhere in the genome. Isolated whole-gene copy number gains of PRRT2 have not been reported in the literature. However, larger copy number events that include this gene have been reported (PMID: 24372385). Experimental studies and prediction algorithms are not available or were not evaluated, and the functional significance of this variant is currently unknown. In summary, the available evidence is currently insufficient to determine the role of this variant in disease. Therefore, it has been classified as a Variant of Uncertain Significance.

Labcorp Genetics (formerly Invitae), Labcorp
Classification: Uncertain significance for Severe combined immunodeficiency due to CORO1A deficiency. Last evaluated: 2022-10-24. Review status: criteria provided, single submitter. Criteria: Invitae Variant Classification Sherloc (09022015). Collection method: clinical testing. Allele origin: germline.
Comment: This variant results in a copy number gain of the genomic region encompassing exon(s) 1-10 of the CORO1A gene. This region includes the initiator codon of the gene. This copy number gain extends beyond the assayed region for this gene and therefore may encompass additional genes. As the precise location of this event is unknown, it may be in tandem or it may be located elsewhere in the genome. This variant has not been reported in the literature in individuals affected with CORO1A-related conditions. In summary, the available evidence is currently insufficient to determine the role of this variant in disease. Therefore, it has been classified as a Variant of Uncertain Significance.

Labcorp Genetics (formerly Invitae), Labcorp
Classification: Uncertain significance for HNSHA due to aldolase A deficiency. Last evaluated: 2022-10-17. Review status: criteria provided, single submitter. Criteria: Invitae Variant Classification Sherloc (09022015). Collection method: clinical testing. Allele origin: germline.
Comment: A copy number gain of the genomic region encompassing the full coding sequence of the ALDOA gene has been identified. The boundaries of this event are unknown as they extend beyond the assayed region for this gene and therefore may encompass additional genes. As the precise location of this event is unknown, it may be in tandem or it may be located elsewhere in the genome. This variant has not been reported in the literature in individuals affected with ALDOA-related conditions. In summary, the available evidence is currently insufficient to determine the role of this variant in disease. Therefore, it has been classified as a Variant of Uncertain Significance.

Literature cited by the submitters: PubMed 24372385.